The following is an entry in ClinVar:

NM_004364.5(CEBPA):c.659T>C (p.Leu220Pro)

Gene: CEBPA (CCAAT enhancer binding protein alpha; minus strand). Cytogenetic location: 19q13.11.
Variant type: single nucleotide variant.
Coding change: c.659T>C on transcript NM_004364.5 (MANE Select); coding-DNA position 659, T replaced by C.
Protein change: p.Leu220Pro; replaces leucine 220 with proline.
Molecular consequence: missense variant.
Genome position (GRCh38, 1-based): chr19:33,301,756, A>G on the plus strand (T>C on the coding strand, the complement: CEBPA is on the minus strand). VCF-style: chr19-33301756-A-G. GRCh37 (hg19) VCF-style: chr19-33792662-A-G.
Other names: c.302T>C, p.Leu101Pro (NM_001285829.2); c.764T>C, p.Leu255Pro (NM_001287424.2); c.617T>C, p.Leu206Pro (NM_001287435.2); short protein forms L255P, L101P, L220P, L206P.
Identifiers: ClinVar variation 4611222 (VCV004611222.1).
Genomic context (GRCh38, chr19:33,301,756, plus strand): 5'-GCGGGCGCGGGGTGCGGGCTGGGCACGGGCGTGGGCGGCGGCGTGGGGTGACCGGGCTGC[A>G]GGTGCATGGTGGTCTGGCCGCAGTGCGCGATCTGGAACTGCAGGTGCGGGGCGGCCAGGT-3'
Protein context (NP_004355.2, residues 210-230): IAHCGQTTMH[Leu220Pro]QPGHPTPPPT

ClinVar aggregate classification (germline): Uncertain significance (1 of 4 stars; one submission).

Conditions:
Inborn genetic diseases. Identifiers: MedGen C0950123, MeSH D030342.

Submission:

Ambry Genetics
Classification: Uncertain significance for Inborn genetic diseases. Last evaluated: 2025-10-22. Review status: criteria provided, single submitter. Criteria: Ambry Variant Classification Scheme 2023. Collection method: clinical testing. Allele origin: germline.
Comment: The p.L220P variant (also known as c.659T>C), located in coding exon 1 of the CEBPA gene, results from a T to C substitution at nucleotide position 659. The leucine at codon 220 is replaced by proline, an amino acid with similar properties. This amino acid position is conserved. In addition, this alteration is predicted to be tolerated by in silico analysis. Based on the available evidence, the clinical significance of this variant remains unclear.